The following is an entry in ClinVar:

NM_001330260.2(SCN8A):c.2597A>T (p.Lys866Met)

Gene: SCN8A (sodium voltage-gated channel alpha subunit 8; plus strand). Cytogenetic location: 12q13.13.
Variant type: single nucleotide variant.
Coding change: c.2597A>T on transcript NM_001330260.2 (MANE Select); coding-DNA position 2597, A replaced by T.
Protein change: p.Lys866Met; replaces lysine 866 with methionine.
Molecular consequence: missense variant.
Genome position (GRCh38, 1-based): chr12:51,765,723, A>T. VCF-style: chr12-51765723-A-T. GRCh37 (hg19) VCF-style: chr12-52159507-A-T.
Other names: c.2597A>T, p.Lys866Met (NM_001177984.3, NM_001369788.1, NM_014191.4); short protein forms K866M.
Identifiers: ClinVar variation 5017145 (VCV005017145.1).

ClinVar aggregate classification (germline): Uncertain significance (1 of 4 stars; one submission).

Submission:

GeneDx
Classification: Uncertain significance. Last evaluated: 2026-03-20. Review status: criteria provided, single submitter. Criteria: GeneDx Variant Classification Process June 2021. Collection method: clinical testing. Allele origin: germline.
Comment: Not observed at significant frequency in large population cohorts (gnomAD); In silico analysis supports that this missense variant has a deleterious effect on protein structure/function; Has not been previously published as pathogenic or benign to our knowledge; This substitution is predicted to be within the intracellular loop between the S4 and S5 transmembrane segments of the second homologous domain